The following is an entry in ClinVar:

ClinVar aggregate classification (germline): Uncertain significance (1 of 4 stars; one submission).

Conditions:
Cardiovascular phenotype. Identifiers: MedGen CN230736.

Submission:

Ambry Genetics
Classification: Uncertain significance for Cardiovascular phenotype. Last evaluated: 2026-03-29. Review status: criteria provided, single submitter. Criteria: Ambry Variant Classification Scheme 2023. Collection method: clinical testing. Allele origin: germline.
Comment: The p.A1277G variant (also known as c.3830C>G), located in coding exon 51 of the COL1A2 gene, results from a C to G substitution at nucleotide position 3830. The alanine at codon 1277 is replaced by glycine, an amino acid with similar properties. This amino acid position is conserved. In addition, the in silico prediction for this alteration is inconclusive. Based on the available evidence, the clinical significance of this variant remains unclear.

NM_000089.4(COL1A2):c.3830C>G (p.Ala1277Gly)

Gene: COL1A2 (collagen type I alpha 2 chain; plus strand). Cytogenetic location: 7q21.3.
Variant type: single nucleotide variant.
Coding change: c.3830C>G on transcript NM_000089.4 (MANE Select); coding-DNA position 3830, C replaced by G.
Protein change: p.Ala1277Gly; replaces alanine 1277 with glycine.
Molecular consequence: missense variant.
Genome position (GRCh38, 1-based): chr7:94,429,306, C>G. VCF-style: chr7-94429306-C-G. GRCh37 (hg19) VCF-style: chr7-94058618-C-G.
Other names: short protein forms A1277G.
Identifiers: ClinVar variation 4869129 (VCV004869129.1).